The following is an entry in ClinVar:

NM_006147.4(IRF6):c.866T>C (p.Leu289Pro)

Gene: IRF6 (interferon regulatory factor 6; minus strand). Cytogenetic location: 1q32.2.
Variant type: single nucleotide variant.
Coding change: c.866T>C on transcript NM_006147.4 (MANE Select); coding-DNA position 866, T replaced by C.
Protein change: p.Leu289Pro; replaces leucine 289 with proline.
Molecular consequence: missense variant.
Genome position (GRCh38, 1-based): chr1:209,790,689, A>G on the plus strand (T>C on the coding strand, the complement: IRF6 is on the minus strand). VCF-style: chr1-209790689-A-G. GRCh37 (hg19) VCF-style: chr1-209964034-A-G.
Other names: c.581T>C, p.Leu194Pro (NM_001206696.2); short protein forms L194P, L289P.
Identifiers: ClinVar variation 1372197 (VCV001372197.8), dbSNP rs2102536986, ClinGen allele CA344576391.
Genomic context (GRCh38, chr1:209,790,689, plus strand): 5'-TGACCGCTGACCTCCAGGATCAGTCCTCTGTCCATGACGTCCAGCAGCTTGCTAGTGAAC[A>G]GCTTCTGCTTCTCATTGGTAATATGCTCAGGACCTGGGAATTTGACCTGCTCCAGGCTGA-3'
Protein context (NP_006138.1, residues 279-299): PEHITNEKQK[Leu289Pro]FTSKLLDVMD

ClinVar aggregate classification (germline): Uncertain significance (1 of 4 stars; one submission).

Conditions:
Van der Woude syndrome. Identifiers: Orphanet 888, MedGen C0175697, MONDO:0019508.
Orofacial cleft 6, susceptibility to (OFC6). Also called: CLEFT LIP WITH OR WITHOUT CLEFT PALATE, NONSYNDROMIC, 6. Identifiers: MedGen C1837213, MONDO:0012141, OMIM 608864.
Popliteal pterygium syndrome (PPS). Identifiers: Orphanet 294963, MedGen C0265259, MONDO:0017435.

Submission:

Labcorp Genetics (formerly Invitae), Labcorp
Classification: Uncertain significance for Orofacial cleft 6, susceptibility to; Van der Woude syndrome; Popliteal pterygium syndrome. Last evaluated: 2023-01-09. Review status: criteria provided, single submitter. Criteria: Invitae Variant Classification Sherloc (09022015). Collection method: clinical testing. Allele origin: germline.
Comment: In summary, the available evidence is currently insufficient to determine the role of this variant in disease. Therefore, it has been classified as a Variant of Uncertain Significance. Advanced modeling of protein sequence and biophysical properties (such as structural, functional, and spatial information, amino acid conservation, physicochemical variation, residue mobility, and thermodynamic stability) performed at Invitae indicates that this missense variant is not expected to disrupt IRF6 protein function. ClinVar contains an entry for this variant (Variation ID: 1372197). This missense change has been observed in individual(s) with IRF6-related conditions (Invitae). This variant is not present in population databases (gnomAD no frequency). This sequence change replaces leucine, which is neutral and non-polar, with proline, which is neutral and non-polar, at codon 289 of the IRF6 protein (p.Leu289Pro).